The following is an entry in ClinVar:

ClinVar aggregate classification (germline): Likely benign. Review status: criteria provided, single submitter (1 of 4 stars). 2 submissions from 2 submitters: Likely benign (1). 1 of the submissions does not count toward it. Last evaluated 2023-02-07.

Conditions:
NF1-related disorder. Also called: NF1-related condition. Identifiers: MedGen CN379171.

Allele frequency attached by ClinVar (database versions not stated): gnomAD 0.00002; gnomAD exomes 0.00004; TOPMed 0.00007.
gnomAD v4.1: 6 of 235,542 alleles (0.0025%); highest among the groups gnomAD compares: Admixed American, 0.031%; no homozygotes.

Submissions (2):

ARUP Laboratories, Molecular Genetics and Genomics, ARUP Laboratories
Classification: Likely benign. Last evaluated: 2023-02-07. Review status: criteria provided, single submitter. Criteria: ARUP Molecular Germline Variant Investigation Process 2024. Collection method: clinical testing. Allele origin: germline.

PreventionGenetics, part of Exact Sciences
Classification: Likely benign for NF1-related condition. Last evaluated: 2020-01-13. Review status: no assertion criteria provided. Collection method: clinical testing. Allele origin: germline. Not counted in ClinVar's aggregate classification.
Comment: This variant is classified as likely benign based on ACMG/AMP sequence variant interpretation guidelines (Richards et al. 2015 PMID: 25741868, with internal and published modifications).

NM_001042492.3(NF1):c.5812+333T>C

Gene: NF1 (neurofibromin 1; plus strand). Cytogenetic location: 17q11.2.
Variant type: single nucleotide variant.
Coding change: c.5812+333T>C on transcript NM_001042492.3 (MANE Select); 333 bases into the intron after coding-DNA position 5812, T replaced by C.
Molecular consequence: intron variant.
Genome position (GRCh38, 1-based): chr17:31,330,831, T>C. VCF-style: chr17-31330831-T-C. GRCh37 (hg19) VCF-style: chr17-29657849-T-C.
Other names: c.5749+333T>C (NM_000267.4).
Identifiers: ClinVar variation 2920869 (VCV002920869.3), dbSNP rs1027694888, ClinGen allele CA289380934.